The following is an entry in ClinVar:

ClinVar aggregate classification (germline): Benign/Likely benign. Review status: criteria provided, multiple submitters, no conflicts (2 of 4 stars). 3 submissions from 3 submitters: Benign (1); Likely benign (2). Last evaluated 2025-09-23.

Conditions:
Cardiovascular phenotype. Identifiers: MedGen CN230736.
Myofibrillar myopathy 5. Also called: Filaminopathy (type); FILAMINOPATHY, AUTOSOMAL DOMINANT. Identifiers: Orphanet 171445, MedGen C1836050, MONDO:0012289, OMIM 609524.
Distal myopathy with posterior leg and anterior hand involvement. Also called: WILLIAMS DISTAL MYOPATHY. Identifiers: Orphanet 63273, MedGen C3279722, MONDO:0013550, OMIM 614065.
Hypertrophic cardiomyopathy 26. Also called: Cardiomyopathy, familial hypertrophic, 26. Identifiers: Orphanet 75249, MedGen C4310749, MONDO:0014883, OMIM 617047.

Allele frequency attached by ClinVar (database versions not stated): ExAC 0.00001; gnomAD 0.00001 and 0.00003; gnomAD exomes 0.00002; TOPMed 0.00002; 1000 Genomes Project 30x 0.00016; 1000 Genomes Project 0.00020.
gnomAD v4.1: 33 of 1,608,338 alleles (0.0021%); highest among the groups gnomAD compares: East Asian, 0.06%; no homozygotes.

Submissions (3):

Labcorp Genetics (formerly Invitae), Labcorp
Classification: Benign for Distal myopathy with posterior leg and anterior hand involvement; Myofibrillar myopathy 5; Hypertrophic cardiomyopathy 26. Last evaluated: 2025-09-23. Review status: criteria provided, single submitter. Criteria: Invitae Variant Classification Sherloc (09022015). Collection method: clinical testing. Allele origin: germline.

CeGaT Center for Human Genetics Tuebingen
Classification: Likely benign. Last evaluated: 2025-02-01. Review status: criteria provided, single submitter. Criteria: CeGaT Center For Human Genetics Tuebingen Variant Classification Criteria Version 2. Collection method: clinical testing. Allele origin: germline. Affected: yes. Observed: 1 variant allele.
Comment: FLNC: BP4, BP7

Ambry Genetics
Classification: Likely benign for Cardiovascular phenotype. Last evaluated: 2020-10-11. Review status: criteria provided, single submitter. Criteria: Ambry Variant Classification Scheme 2023. Collection method: clinical testing. Allele origin: germline.

NM_001458.5(FLNC):c.918C>T (p.Gly306=)

Gene: FLNC (filamin C; plus strand). Cytogenetic location: 7q32.1.
Variant type: single nucleotide variant.
Coding change: c.918C>T on transcript NM_001458.5 (MANE Select); coding-DNA position 918, C replaced by T.
Protein change: p.Gly306=; no amino-acid change (glycine 306 retained).
Molecular consequence: synonymous variant.
Genome position (GRCh38, 1-based): chr7:128,837,704, C>T. VCF-style: chr7-128837704-C-T. GRCh37 (hg19) VCF-style: chr7-128477758-C-T.
Other names: c.918C>T, p.Gly306= (NM_001127487.2).
Identifiers: ClinVar variation 1025932 (VCV001025932.22), dbSNP rs200471132, ClinGen allele CA4474167.